The following is an entry in ClinVar:

ClinVar aggregate classification (germline): Benign (1 of 4 stars; one submission).

Conditions:
PSAT deficiency. Identifiers: Orphanet 284417, MedGen C1970253, MONDO:0012596, OMIM 610992.

Allele frequency attached by ClinVar (database versions not stated): gnomAD exomes 0.00081; 1000 Genomes Project 0.00559; gnomAD 0.00666 and 0.00717; 1000 Genomes Project 30x 0.00671; TOPMed 0.00757.
gnomAD v4.1: 1,282 of 481,304 alleles (0.27%); highest among the groups gnomAD compares: African/African-American, 2.3%; 13 homozygotes.

Submission:

Illumina Laboratory Services, Illumina
Classification: Benign for PSAT deficiency. Last evaluated: 2018-01-12. Review status: criteria provided, single submitter. Criteria: ICSL Variant Classification Criteria 13 December 2019. Collection method: clinical testing. Allele origin: germline.
Comment: This variant was observed in the ICSL laboratory as part of a predisposition screen in an ostensibly healthy population. It had not been previously curated by ICSL or reported in the Human Gene Mutation Database (HGMD: prior to June 1st, 2018), and was therefore a candidate for classification through an automated scoring system. Utilizing variant allele frequency, disease prevalence and penetrance estimates, and inheritance mode, an automated score was calculated to assess if this variant is too frequent to cause the disease. Based on the score and internal cut-off values, a variant classified as benign is not then subjected to further curation. The score for this variant resulted in a classification of benign for this disease.

NM_058179.4(PSAT1):c.*251C>T

Gene: PSAT1 (phosphoserine aminotransferase 1; plus strand). Cytogenetic location: 9q21.2.
Variant type: single nucleotide variant.
Coding change: c.*251C>T on transcript NM_058179.4 (MANE Select); 251 bases downstream of the stop codon, C replaced by T.
Molecular consequence: 3 prime UTR variant.
Genome position (GRCh38, 1-based): chr9:78,329,337, C>T. VCF-style: chr9-78329337-C-T. GRCh37 (hg19) VCF-style: chr9-80944253-C-T.
Other names: c.*251C>T (NM_021154.5).
Identifiers: ClinVar variation 912651 (VCV000912651.4), dbSNP rs76966550, ClinGen allele CA194419083.
Genomic context (GRCh38, chr9:78,329,337, plus strand): 5'-AATTCTGACTTGAACTGGAAGCATTTTAAGAAATCTTGTTGCTTTTCTAACAAATTCCCG[C>T]GTATTTTGCCTTTGCTGCTACTTTTTCTAGTTAGATTTCAAACTTGCCTGTGGACTTAAT-3'